The following is an entry in ClinVar:

ClinVar aggregate classification (germline): Benign/Likely benign. Review status: criteria provided, multiple submitters, no conflicts (2 of 4 stars). 6 submissions from 6 submitters: Benign (1); Likely benign (4). 1 of the submissions does not count toward it. Last evaluated 2026-01-14.

Conditions:
Familial cancer of breast. Also called: BREAST CANCER, FAMILIAL; Hereditary breast cancer; hereditary breast carcinoma. Identifiers: Orphanet 227535, MedGen C0346153, MONDO:0016419, OMIM 114480. Disease mechanism: loss of function.
BARD1-related disorder. Also called: BARD1-related condition.
Hereditary cancer-predisposing syndrome. Also called: Neoplastic Syndromes, Hereditary; Tumor predisposition; Hereditary neoplastic syndrome; Hereditary Cancer Syndrome. Identifiers: Orphanet 140162, MedGen C0027672, MeSH D009386, MONDO:0015356.

Allele frequency attached by ClinVar (database versions not stated): gnomAD 0.00001; gnomAD exomes 0.00001; ExAC 0.00002.
gnomAD v4.1: 6 of 1,613,712 alleles (0.00037%); highest among the groups gnomAD compares: East Asian, 0.011%; no homozygotes.

Submissions (6):

Labcorp Genetics (formerly Invitae), Labcorp
Classification: Likely benign for Familial cancer of breast. Last evaluated: 2026-01-14. Review status: criteria provided, single submitter. Criteria: Invitae Variant Classification Sherloc (09022015). Collection method: clinical testing. Allele origin: germline.

Women's Health and Genetics/Laboratory Corporation of America, LabCorp
Classification: Likely benign. Last evaluated: 2024-08-09. Review status: criteria provided, single submitter. Criteria: LabCorp Variant Classification Summary - May 2015. Collection method: clinical testing. Allele origin: germline.

Myriad Genetics, Inc.
Classification: Benign for Familial cancer of breast. Last evaluated: 2024-07-26. Review status: criteria provided, single submitter. Criteria: Myriad Autosomal Dominant, Autosomal Recessive and X-Linked Classification Criteria (2023). Collection method: clinical testing. Allele origin: unknown.
Comment: This variant is considered benign. This variant is a silent/synonymous amino acid change and it is not expected to impact splicing.

Ambry Genetics
Classification: Likely benign for Hereditary cancer-predisposing syndrome. Last evaluated: 2017-10-18. Review status: criteria provided, single submitter. Criteria: Ambry Variant Classification Scheme 2023. Collection method: clinical testing. Allele origin: germline.

Color Diagnostics, LLC DBA Color Health
Classification: Likely benign for Hereditary cancer-predisposing syndrome. Last evaluated: 2017-08-26. Review status: criteria provided, single submitter. Criteria: ACMG Guidelines, 2015. Collection method: clinical testing. Allele origin: germline.

PreventionGenetics, part of Exact Sciences
Classification: Likely benign for BARD1-related condition. Last evaluated: 2023-10-11. Review status: no assertion criteria provided. Collection method: clinical testing. Allele origin: germline. Not counted in ClinVar's aggregate classification.
Comment: This variant is classified as likely benign based on ACMG/AMP sequence variant interpretation guidelines (Richards et al. 2015 PMID: 25741868, with internal and published modifications).

NM_000465.4(BARD1):c.1614T>C (p.Ser538=)

Gene: BARD1 (BRCA1 associated RING domain 1; minus strand). Cytogenetic location: 2q35.
Variant type: single nucleotide variant.
Coding change: c.1614T>C on transcript NM_000465.4 (MANE Select); coding-DNA position 1614, T replaced by C.
Protein change: p.Ser538=; no amino-acid change (serine 538 retained).
Molecular consequence: synonymous variant. On other transcripts: non-coding transcript variant (3), intron variant (1).
Genome position (GRCh38, 1-based): chr2:214,752,510, A>G on the plus strand (T>C on the coding strand, the complement: BARD1 is on the minus strand). VCF-style: chr2-214752510-A-G. GRCh37 (hg19) VCF-style: chr2-215617234-A-G.
Other names: c.1557T>C, p.Ser519= (NM_001282543.2); c.261T>C, p.Ser87= (NM_001282545.2); c.204T>C, p.Ser68= (NM_001282548.2); c.365-22002T>C (NM_001282549.2).
Identifiers: ClinVar variation 629875 (VCV000629875.22), dbSNP rs781448650, ClinGen allele CA2090212.